The following is an entry in ClinVar:

NM_001127222.2(CACNA1A):c.117C>T (p.Gly39=)

Gene: CACNA1A (calcium voltage-gated channel subunit alpha1 A; minus strand). Cytogenetic location: 19p13.13.
Variant type: single nucleotide variant.
Coding change: c.117C>T on transcript NM_001127222.2 (MANE Select); coding-DNA position 117, C replaced by T.
Protein change: p.Gly39=; no amino-acid change (glycine 39 retained).
Molecular consequence: synonymous variant.
Genome position (GRCh38, 1-based): chr19:13,506,108, G>A on the plus strand (C>T on the coding strand, the complement: CACNA1A is on the minus strand). VCF-style: chr19-13506108-G-A. GRCh37 (hg19) VCF-style: chr19-13616922-G-A.
Other names: c.117C>T, p.Gly39= (NM_000068.4, NM_001127221.2, NM_001174080.2 and 1 more transcripts).
Identifiers: ClinVar variation 389237 (VCV000389237.10), dbSNP rs374304094, ClinGen allele CA9241097.

ClinVar aggregate classification (germline): Conflicting classifications of pathogenicity. Review status: criteria provided, conflicting classifications (1 of 4 stars). 3 submissions from 3 submitters: Uncertain significance (1); Likely benign (2). Last evaluated 2024-10-22.

Conditions:
Episodic ataxia type 2 (EA2). Also called: ACETAZOLAMIDE-RESPONSIVE HEREDITARY PAROXYSMAL CEREBELLAR ATAXIA; ATAXIA, EPISODIC, WITH NYSTAGMUS; ATAXIA, FAMILIAL PAROXYSMAL; CEREBELLAR ATAXIA, PAROXYSMAL, ACETAZOLAMIDE-RESPONSIVE; CEREBELLOPATHY, HEREDITARY PAROXYSMAL; EPISODIC ATAXIA, NYSTAGMUS-ASSOCIATED. Identifiers: Orphanet 97, MedGen C1720416, MONDO:0007163, OMIM 108500.
Developmental and epileptic encephalopathy, 42 (DEE42A). Also called: Epileptic encephalopathy, early infantile, 42; DEVELOPMENTAL AND EPILEPTIC ENCEPHALOPATHY 42A; EPILEPTIC ENCEPHALOPATHY, EARLY INFANTILE, 42A. Identifiers: MedGen C4310716, MONDO:0014917, OMIM 617106.

Allele frequency attached by ClinVar (database versions not stated): gnomAD exomes 0.00001 and 0.00003; ExAC 0.00002; TOPMed 0.00002; ESP Exome Variant Server 0.00008.
gnomAD v4.1: 47 of 1,611,606 alleles (0.0029%); highest among the groups gnomAD compares: Middle Eastern, 0.66%; 3 homozygotes.

Submissions (3):

Labcorp Genetics (formerly Invitae), Labcorp
Classification: Likely benign for Developmental and epileptic encephalopathy, 42; Episodic ataxia type 2. Last evaluated: 2024-10-22. Review status: criteria provided, single submitter. Criteria: Invitae Variant Classification Sherloc (09022015). Collection method: clinical testing. Allele origin: germline.

Blueprint Genetics
Classification: Uncertain significance. Last evaluated: 2024-03-13. Review status: criteria provided, single submitter. Criteria: ACMG Guidelines, 2015. Collection method: clinical testing. Allele origin: germline.

GeneDx
Classification: Likely benign. Last evaluated: 2016-09-09. Review status: criteria provided, single submitter. Criteria: GeneDx Variant Classification (06012015). Collection method: clinical testing. Allele origin: germline. Affected: yes.
Comment: This variant is considered likely benign or benign based on one or more of the following criteria: it is a conservative change, it occurs at a poorly conserved position in the protein, it is predicted to be benign by multiple in silico algorithms, and/or has population frequency not consistent with disease.